The following is an entry in ClinVar:

NM_001184900.3(CARD8):c.350+565_350+569del

Gene: CARD8 (caspase recruitment domain family member 8; minus strand). Cytogenetic location: 19q13.33.
Variant type: Deletion.
Coding change: c.350+565_350+569del on transcript NM_001184900.3 (MANE Select); bases 565 to 569 of the intron after coding-DNA position 350, 5 bases deleted (CTGGA; older notation c.350+565_350+569delCTGGA).
Molecular consequence: intron variant. On other transcripts: frameshift variant (1), initiator codon variant (1).
Genome position (GRCh38, 1-based): chr19:48,233,834-48,233,838, TCCAG deleted on the plus strand (CTGGA on the coding strand, the reverse complement: CARD8 is on the minus strand); deleting any 5 consecutive bases within chr19:48,233,834-48,233,840 gives the same sequence; the c. name uses the placement nearest the transcript's 3' end. VCF-style (leftmost placement, unchanged base first): chr19-48233833-TTCCAG-T. GRCh37 (hg19) VCF-style: chr19-48737090-TTCCAG-T.
Other names: c.5_9del, p.Thr2fs (NM_001351786.2); c.76+565_76+569del (NM_001351787.2, NM_001351791.2, NM_001351792.2 and 2 more transcripts); c.200+565_200+569del (NM_001351788.2, NM_001351789.2, NM_014959.5 and 2 more transcripts); c.148+565_148+569del (NM_001351790.2); c.350+565_350+569del (NM_001184902.2, NM_001351782.2, NM_001184903.1); short protein forms T2fs.
Identifiers: ClinVar variation 3346470 (VCV003346470.2).

ClinVar aggregate classification (germline): Uncertain significance (1 of 4 stars; one submission).

Conditions:
CARD8-related disorder. Also called: CARD8-related condition.

Submission:

PreventionGenetics, part of Exact Sciences
Classification: Uncertain significance for CARD8-related condition. Last evaluated: 2026-09-19. Review status: criteria provided, single submitter. Criteria: ACMG Guidelines, 2015. Collection method: clinical testing. Allele origin: germline.
Comment: The CARD8 c.5_9del5 variant is predicted to result in a frameshift and premature protein termination (p.Thr2Lysfs*32). To our knowledge, this variant has not been reported in the literature or in a large population database (gnomAD), indicating this variant is rare. At this time, the clinical significance of this variant is uncertain due to the absence of conclusive functional and genetic evidence.